The following is an entry in ClinVar:

ClinVar aggregate classification (germline): Likely pathogenic. Review status: criteria provided, single submitter (1 of 4 stars). 2 submissions from 2 submitters: Likely pathogenic (1). 1 of the submissions does not count toward it. Last evaluated 2019-01-10.

Conditions:
Nephrotic syndrome, type 18. Identifiers: MedGen C4748549, MONDO:0032581, OMIM 618177.

Submissions (2):

SIB Swiss Institute of Bioinformatics
Classification: Likely pathogenic for Nephrotic syndrome, type 18. Last evaluated: 2019-01-10. Review status: criteria provided, single submitter. Criteria: ACMG Guidelines, 2015. Collection method: curation. Allele origin: unknown.
Comment: This variant is interpreted as a Likely pathogenic for Nephrotic syndrome 18, autosomal recessive. The following ACMG Tag(s) were applied: PM2 => Absent from controls (or at extremely low frequency if recessive) in Exome Sequencing Project, 1000 Genomes Project, or Exome Aggregation Consortium. PS3 => Well-established functional studies show a deleterious effect (PMID:30179222). PP3 => Multiple lines of computational evidence support a deleterious effect on the gene or gene product.

ClinGen:CA345148234

OMIM
Classification: Pathogenic for NEPHROTIC SYNDROME, TYPE 18. Last evaluated: 2018-11-12. Review status: no assertion criteria provided. Collection method: literature only. Allele origin: germline. Not counted in ClinVar's aggregate classification.

Literature cited by the submitters: PubMed 30179222 (cited by SIB Swiss Institute of Bioinformatics and OMIM).

NM_018230.3(NUP133):c.2922T>G (p.Ser974Arg)

Gene: NUP133 (nucleoporin 133; minus strand). Cytogenetic location: 1q42.13.
Variant type: single nucleotide variant.
Coding change: c.2922T>G on transcript NM_018230.3 (MANE Select); coding-DNA position 2922, T replaced by G.
Protein change: p.Ser974Arg; replaces serine 974 with arginine.
Molecular consequence: missense variant.
Genome position (GRCh38, 1-based): chr1:229,458,219, A>C on the plus strand (T>G on the coding strand, the complement: NUP133 is on the minus strand). VCF-style: chr1-229458219-A-C. GRCh37 (hg19) VCF-style: chr1-229593966-A-C.
Other names: short protein forms S974R.
Identifiers: ClinVar variation 590321 (VCV000590321.2), dbSNP rs1558091788, ClinGen allele CA345148234.